The following is an entry in ClinVar:

NM_000304.4(PMP22):c.152A>G (p.His51Arg)

Gene: PMP22 (peripheral myelin protein 22; minus strand). Cytogenetic location: 17p12.
Variant type: single nucleotide variant.
Coding change: c.152A>G on transcript NM_000304.4 (MANE Select); coding-DNA position 152, A replaced by G.
Protein change: p.His51Arg; replaces histidine 51 with arginine.
Molecular consequence: missense variant. On other transcripts: non-coding transcript variant (1).
Genome position (GRCh38, 1-based): chr17:15,259,120, T>C on the plus strand (A>G on the coding strand, the complement: PMP22 is on the minus strand). VCF-style: chr17-15259120-T-C. GRCh37 (hg19) VCF-style: chr17-15162437-T-C.
Other names: c.152A>G, p.His51Arg (NM_001281455.2, NM_001281456.2, NM_001330143.2 and 2 more transcripts); short protein forms H51R.
Identifiers: ClinVar variation 215728 (VCV000215728.57), dbSNP rs368908933, ClinGen allele CA337251.

ClinVar aggregate classification (germline): Conflicting classifications of pathogenicity. Review status: criteria provided, conflicting classifications (1 of 4 stars). 6 submissions from 6 submitters: Uncertain significance (2); Benign (1); Likely benign (2). 1 of the submissions does not count toward it. Last evaluated 2026-01-01.

Conditions:
PMP22-related disorder. Also called: PMP22-related condition; PMP22-related disorders.
Charcot-Marie-Tooth disease, type I (CMT1). Also called: Charcot-Marie-Tooth, Type 1; Charcot-Marie-Tooth disease type 1. Identifiers: Orphanet 65753, MedGen C0751036, MONDO:0019011.
Charcot-Marie-Tooth disease. Also called: Charcot-Marie-Tooth Hereditary Neuropathy; Charcot-Marie-Tooth Neuropathy. Identifiers: Orphanet 166, MedGen C0007959, MONDO:0015626.
Tip-toe gait. Also called: Toe walking. Identifiers: MedGen C0427144, HP:0030051.

Allele frequency attached by ClinVar (database versions not stated): gnomAD 0.00005 and 0.00013; ESP Exome Variant Server 0.00008; TOPMed 0.00008; gnomAD exomes 0.00014 and 0.00018; ExAC 0.00022; 1000 Genomes Project 30x 0.00109; 1000 Genomes Project 0.00140.
gnomAD v4.1: 239 of 1,613,746 alleles (0.015%); highest among the groups gnomAD compares: South Asian, 0.13%; no homozygotes.

Submissions (6):

CeGaT Center for Human Genetics Tuebingen
Classification: Uncertain significance. Last evaluated: 2026-01-01. Review status: criteria provided, single submitter. Criteria: CeGaT Center For Human Genetics Tuebingen Variant Classification Criteria Version 2. Collection method: clinical testing. Allele origin: germline. Affected: yes. Observed: 4 variant alleles.
Comment: PMP22: PM2, BP4

Labcorp Genetics (formerly Invitae), Labcorp
Classification: Benign for Charcot-Marie-Tooth disease, type I. Last evaluated: 2025-09-09. Review status: criteria provided, single submitter. Criteria: Invitae Variant Classification Sherloc (09022015). Collection method: clinical testing. Allele origin: germline.

PreventionGenetics, part of Exact Sciences
Classification: Likely benign for PMP22-related condition. Last evaluated: 2025-05-28. Review status: criteria provided, single submitter. Criteria: ACMG Guidelines, 2015. Collection method: clinical testing. Allele origin: germline.
Comment: This variant is classified as likely benign based on ACMG/AMP sequence variant interpretation guidelines (Richards et al. 2015 PMID: 25741868, with internal and published modifications).

Revvity Omics, Revvity
Classification: Uncertain significance. Last evaluated: 2021-08-27. Review status: criteria provided, single submitter. Criteria: ACMG Guidelines, 2015. Collection method: clinical testing. Allele origin: germline.

Molecular Genetics Laboratory, London Health Sciences Centre
Classification: Likely benign for Charcot-Marie-Tooth disease. Review status: criteria provided, single submitter. Criteria: ACMG Guidelines, 2015. Collection method: clinical testing. Allele origin: germline. Affected: yes.

Practice for Gait Abnormalities, David Pomarino, Competency Network Toe Walking C/o Practice Pomarino
Classification: Likely pathogenic for Tip-toe gait. Last evaluated: 2018-04-20. Review status: flagged submission. Criteria: Pomarino et al. (Glob Med Genet. 2023). Collection method: clinical testing. Allele origin: germline. Affected: yes. Not counted in ClinVar's aggregate classification.
Comment: It was found that these children show clear signs of mild neuropathy: 1. Hyperhidrosis 2. High arches 3. Funnel chest 4. Toe walking. The publication is entitled “Toe Walking as a Primary Clinical Indicator of PMP22 Mutation-Associated Neuropathies in Children.”
ClinVar note: Notes: This gene has insufficient evidence for isolated tip-toe gait.
ClinVar note: Reason: P/LP classification for a variant in a gene with insufficient evidence for a gene-disease relationship